The following is an entry in ClinVar:

ClinVar aggregate classification (germline): Pathogenic (1 of 4 stars; one submission).

Conditions:
Atransferrinemia. Also called: Familial hypotransferrinemia. Identifiers: Orphanet 1195, MedGen C0521802, MONDO:0008846, OMIM 209300, HP:0012239.

gnomAD v4.1: 2 of 1,614,188 alleles (0.00012%); highest among the groups gnomAD compares: Non-Finnish European, 0.00017%; no homozygotes.

Submission:

Myriad Genetics, Inc.
Classification: Pathogenic for Atransferrinemia. Last evaluated: 2024-06-25. Review status: criteria provided, single submitter. Criteria: Myriad Autosomal Dominant, Autosomal Recessive and X-Linked Classification Criteria (2023). Collection method: clinical testing. Allele origin: unknown.
Comment: NM_001063.3(TF):c.1845C>A(C615*) is expected to be pathogenic in the context of atransferrinemia. This variant is predicted to lead to an abnormal or absent protein product due to the creation of a premature termination codon in TF, a gene where loss-of-function variants are known to be pathogenic. Please note: this variant was assessed in the context of healthy population screening.

NM_001063.4(TF):c.1845C>A (p.Cys615Ter)

Gene: TF (transferrin; plus strand). Cytogenetic location: 3q22.1.
Variant type: single nucleotide variant.
Coding change: c.1845C>A on transcript NM_001063.4 (MANE Select); coding-DNA position 1845, C replaced by A.
Protein change: p.Cys615Ter; replaces cysteine 615 with a stop codon.
Molecular consequence: nonsense.
Genome position (GRCh38, 1-based): chr3:133,775,590, C>A. VCF-style: chr3-133775590-C-A. GRCh37 (hg19) VCF-style: chr3-133494434-C-A.
Other names: c.1713C>A, p.Cys571Ter (NM_001354703.2); c.1464C>A, p.Cys488Ter (NM_001354704.2); short protein forms C488*, C571*, C615*.
Identifiers: ClinVar variation 5013236 (VCV005013236.1).